The following is an entry in ClinVar:

NM_000264.5(PTCH1):c.1822C>G (p.Leu608Val)

Genes: PTCH1 (patched 1; minus strand), LOC100507346 (uncharacterized LOC100507346; plus strand). Cytogenetic location: 9q22.32.
Variant type: single nucleotide variant.
Coding change: c.1822C>G on transcript NM_000264.5 (MANE Select); coding-DNA position 1822, C replaced by G.
Protein change: p.Leu608Val; replaces leucine 608 with valine.
Molecular consequence: missense variant. On other transcripts: non-coding transcript variant (2).
Genome position (GRCh38, 1-based): chr9:95,469,838, G>C on the plus strand (C>G on the coding strand, the complement: PTCH1 is on the minus strand). VCF-style: chr9-95469838-G-C. GRCh37 (hg19) VCF-style: chr9-98232120-G-C.
Other names: c.1624C>G, p.Leu542Val (NM_001083602.3); c.1819C>G, p.Leu607Val (NM_001083603.3); c.1369C>G, p.Leu457Val (NM_001083604.3, NM_001083605.3, NM_001083606.3 and 1 more transcripts); c.1666C>G, p.Leu556Val (NM_001354918.2); short protein forms L556V, L608V, L457V, L542V, L607V.
Identifiers: ClinVar variation 962087 (VCV000962087.10), dbSNP rs1840400624, ClinGen allele CA374116271.

ClinVar aggregate classification (germline): Uncertain significance (1 of 4 stars; one submission).

Conditions:
Gorlin syndrome. Also called: Basal cell nevus syndrome; Nevoid Basal Cell Carcinoma Syndrome. Identifiers: Orphanet 377, MedGen C0004779, MONDO:0007187.

Submission:

Labcorp Genetics (formerly Invitae), Labcorp
Classification: Uncertain significance for Gorlin syndrome. Last evaluated: 2019-08-02. Review status: criteria provided, single submitter. Criteria: Invitae Variant Classification Sherloc (09022015). Collection method: clinical testing. Allele origin: germline.
Comment: This variant has not been reported in the literature in individuals with PTCH1-related conditions. In summary, the available evidence is currently insufficient to determine the role of this variant in disease. Therefore, it has been classified as a Variant of Uncertain Significance. Algorithms developed to predict the effect of missense changes on protein structure and function (SIFT, PolyPhen-2, Align-GVGD) all suggest that this variant is likely to be tolerated, but these predictions have not been confirmed by published functional studies and their clinical significance is uncertain. This variant is not present in population databases (ExAC no frequency). This sequence change replaces leucine with valine at codon 608 of the PTCH1 protein (p.Leu608Val). The leucine residue is moderately conserved and there is a small physicochemical difference between leucine and valine.